The following is an entry in ClinVar:

ClinVar aggregate classification (germline): Pathogenic. Review status: criteria provided, multiple submitters, no conflicts (2 of 4 stars). 10 submissions from 10 submitters: Pathogenic (7). 3 of the submissions do not count toward it. Last evaluated 2026-10-01.

Conditions:
GRM6-related disorders.
GRM6-related disorder. Also called: GRM6-related condition.
Leber congenital amaurosis (LCA). Also called: Leber's amaurosis. Identifiers: Orphanet 65, MedGen C0339527, MeSH D057130, MONDO:0018998.
Congenital stationary night blindness 1B. Also called: Night blindness, congenital stationary (complete), 1B, autosomal recessive; NIGHT BLINDNESS, CONGENITAL STATIONARY, COMPLETE, AUTOSOMAL RECESSIVE. Identifiers: Orphanet 215, MedGen C1850362, MONDO:0009758, OMIM 257270.

Allele frequency attached by ClinVar (database versions not stated): ExAC 0.00018; 1000 Genomes Project 0.00020; gnomAD 0.00011 and 0.00013; gnomAD exomes 0.00015; 1000 Genomes Project 30x 0.00031; TOPMed 0.00018.
gnomAD v4.1: 342 of 1,613,908 alleles (0.021%); highest among the groups gnomAD compares: Non-Finnish European, 0.024%; no homozygotes.

Submissions (10):

GeneDx
Classification: Pathogenic. Last evaluated: 2026-10-01. Review status: criteria provided, single submitter. Criteria: GeneDx Variant Classification Process June 2021. Collection method: clinical testing. Allele origin: germline.
Comment: Nonsense variant predicted to result in protein truncation or nonsense mediated decay in a gene for which loss of function is a known mechanism of disease; This variant is associated with the following publications: (PMID: 25525159, 22008250, 31589614, 31964843, 15781871, 33749171, 31677249, 31980526, 17405131, 38434377)

PreventionGenetics, part of Exact Sciences
Classification: Pathogenic for GRM6-related condition. Last evaluated: 2026-05-28. Review status: criteria provided, single submitter. Criteria: ACMG Guidelines, 2015. Collection method: clinical testing. Allele origin: germline.
Comment: The GRM6 c.1861C>T variant is predicted to result in premature protein termination (p.Arg621*). This variant was reported in the homozygous or compound heterozygous state in individuals with congenital night blindness (see, for example, Dryja et al. 2005. PubMed ID: 15781871; supplementary data, Sheck et al. 2021. PubMed ID: 33749171; Ribault et al. 2021. PubMed ID: 34718193; Liu et al. 2019. PubMed ID: 31677249). This variant is reported in 0.029% of alleles in individuals of Ashkenazi Jewish descent in gnomAD. Nonsense variants in GRM6 are expected to be pathogenic. This variant is interpreted as pathogenic.

Labcorp Genetics (formerly Invitae), Labcorp
Classification: Pathogenic. Last evaluated: 2025-12-17. Review status: criteria provided, single submitter. Criteria: Invitae Variant Classification Sherloc (09022015). Collection method: clinical testing. Allele origin: germline.
Comment: This sequence change creates a premature translational stop signal (p.Arg621*) in the GRM6 gene. It is expected to result in an absent or disrupted protein product. Loss-of-function variants in GRM6 are known to be pathogenic (PMID: 15781871, 16622103, 22008250). This variant is present in population databases (rs62638214, gnomAD 0.03%). This premature translational stop signal has been observed in individual(s) with congenital stationary nightblindness or Leber congenital amaurosis (PMID: 15781871, 30718709). ClinVar contains an entry for this variant (Variation ID: 5840). For these reasons, this variant has been classified as Pathogenic.

First Genomix Gene Laboratory, Genetic Diagnostics Department
Classification: Pathogenic for Congenital stationary night blindness 1B. Last evaluated: 2025-08-30. Review status: criteria provided, single submitter. Criteria: ACMG Guidelines, 2015. Collection method: clinical testing. Allele origin: germline. Inheritance: Autosomal recessive inheritance. Affected: no. Observed: 1 variant allele.

Blueprint Genetics
Classification: Pathogenic for GRM6-related disorders. Last evaluated: 2024-07-16. Review status: criteria provided, single submitter. Criteria: ACMG Guidelines, 2015. Collection method: clinical testing. Allele origin: germline. Affected: yes. Observed: 5 variant alleles.

Revvity Omics, Revvity
Classification: Pathogenic for Congenital stationary night blindness 1B. Last evaluated: 2019-11-01. Review status: criteria provided, single submitter. Criteria: ACMG Guidelines, 2015. Collection method: clinical testing. Allele origin: germline.

Cytogénomique, Hospices Civils de Lyon
Classification: Pathogenic for Congenital stationary night blindness 1B. Review status: criteria provided, single submitter. Criteria: ACMG Guidelines, 2015. Collection method: clinical testing. Allele origin: inherited. Inheritance: Autosomal recessive inheritance. Affected: yes.

Department of Clinical Genetics, Copenhagen University Hospital, Rigshospitalet
Classification: Pathogenic for Leber congenital amaurosis. Last evaluated: 2018-04-01. Review status: no assertion criteria provided. Collection method: research. Allele origin: unknown. Affected: yes. Study: VeluxRD. Not counted in ClinVar's aggregate classification.

OMIM
Classification: Pathogenic for NIGHT BLINDNESS, CONGENITAL STATIONARY, TYPE 1B. Last evaluated: 2005-03-29. Review status: no assertion criteria provided. Collection method: literature only. Allele origin: germline. Not counted in ClinVar's aggregate classification.

Retina International
No classification provided. Review status: no classification provided. Collection method: not provided. Allele origin: not provided. Not counted in ClinVar's aggregate classification.

Literature cited by the submitters: PubMed 15781871 (cited by Labcorp Genetics (formerly Invitae), Labcorp and OMIM); PubMed 16622103 (cited by Labcorp Genetics (formerly Invitae), Labcorp); PubMed 22008250 (cited by Labcorp Genetics (formerly Invitae), Labcorp); PubMed 30718709 (cited by Labcorp Genetics (formerly Invitae), Labcorp and Department of Clinical Genetics, Copenhagen University Hospital, Rigshospitalet); PubMed 11874764 (cited by OMIM).

NM_000843.4(GRM6):c.1861C>T (p.Arg621Ter)

Genes: GRM6 (glutamate metabotropic receptor 6; minus strand), ZNF454 (zinc finger protein 454; plus strand). Cytogenetic location: 5q35.3.
Variant type: single nucleotide variant.
Coding change: c.1861C>T on transcript NM_000843.4 (MANE Select); coding-DNA position 1861, C replaced by T.
Protein change: p.Arg621Ter; replaces arginine 621 with a stop codon.
Molecular consequence: nonsense.
Genome position (GRCh38, 1-based): chr5:178,986,393, G>A on the plus strand (C>T on the coding strand, the complement: GRM6 is on the minus strand). VCF-style: chr5-178986393-G-A. GRCh37 (hg19) VCF-style: chr5-178413394-G-A.
Other names: short protein forms R621*.
Identifiers: ClinVar variation 5840 (VCV000005840.19), dbSNP rs62638214, ClinGen allele CA117799.